The following is an entry in ClinVar:

ClinVar aggregate classification (germline): Uncertain significance (1 of 4 stars; one submission).

Conditions:
Chopra-Amiel-Gordon syndrome (CAGS). Also called: ANKRD17-Related Neurodevelopmental Syndrome. Identifiers: MedGen C5561975, MONDO:0859186, OMIM 619504.

Submission:

Institute of Human Genetics, University of Leipzig Medical Center
Classification: Uncertain significance for Chopra-Amiel-Gordon syndrome. Last evaluated: 2023-12-20. Review status: criteria provided, single submitter. Criteria: ACMG Guidelines, 2015. Collection method: clinical testing. Allele origin: unknown. Inheritance: Autosomal dominant inheritance. Affected: yes.
Comment: Criteria applied: PM1,PM2_SUP,PP3

NM_032217.5(ANKRD17):c.2110G>T (p.Ala704Ser)

Gene: ANKRD17 (ankyrin repeat domain 17; minus strand). Cytogenetic location: 4q13.3.
Variant type: single nucleotide variant.
Coding change: c.2110G>T on transcript NM_032217.5 (MANE Select); coding-DNA position 2110, G replaced by T.
Protein change: p.Ala704Ser; replaces alanine 704 with serine.
Molecular consequence: missense variant.
Genome position (GRCh38, 1-based): chr4:73,142,361, C>A on the plus strand (G>T on the coding strand, the complement: ANKRD17 is on the minus strand). VCF-style: chr4-73142361-C-A. GRCh37 (hg19) VCF-style: chr4-74008078-C-A.
Other names: c.1771G>T, p.Ala591Ser (NM_001286771.3); c.2110G>T, p.Ala704Ser (NM_015574.2, NM_198889.3); short protein forms A591S, A704S.
Identifiers: ClinVar variation 2691858 (VCV002691858.2), dbSNP rs2148822115, ClinGen allele CA357223857.
Genomic context (GRCh38, chr4:73,142,361, plus strand): 5'-GCAAGTTATTAGGATAATCCAAGAGATAGCAAACAACACTTGTATGGCCACCTTTTGCTG[C>A]TTCTATCAACATAGTTGAGCCATCCTAAAAGAGTGAATATGGAAGGGGAAAAAAAGTGAA-3'
Protein context (NP_115593.3, residues 694-714): LKDGSTMLIE[Ala704Ser]AKGGHTSVVC